The following is an entry in ClinVar:

NM_000179.3(MSH6):c.1628A>C (p.Lys543Thr)

Gene: MSH6 (mutS homolog 6; plus strand). Cytogenetic location: 2p16.3.
Variant type: single nucleotide variant.
Coding change: c.1628A>C on transcript NM_000179.3 (MANE Select); coding-DNA position 1628, A replaced by C.
Protein change: p.Lys543Thr; replaces lysine 543 with threonine.
Molecular consequence: missense variant.
Genome position (GRCh38, 1-based): chr2:47,799,611, A>C. VCF-style: chr2-47799611-A-C. GRCh37 (hg19) VCF-style: chr2-48026750-A-C.
Other names: c.1238A>C, p.Lys413Thr (NM_001281492.2); c.722A>C, p.Lys241Thr (NM_001281493.2, NM_001281494.2); short protein forms K241T, K413T, K543T.
Identifiers: ClinVar variation 848505 (VCV000848505.9), dbSNP rs1553413015, ClinGen allele CA346747117.

ClinVar aggregate classification (germline): Uncertain significance (1 of 4 stars; one submission).

Conditions:
Hereditary nonpolyposis colorectal neoplasms. Identifiers: MedGen C0009405, MeSH D003123.

Submission:

Labcorp Genetics (formerly Invitae), Labcorp
Classification: Uncertain significance for Hereditary nonpolyposis colorectal neoplasms. Last evaluated: 2019-02-27. Review status: criteria provided, single submitter. Criteria: Invitae Variant Classification Sherloc (09022015). Collection method: clinical testing. Allele origin: germline.
Comment: In summary, the available evidence is currently insufficient to determine the role of this variant in disease. Therefore, it has been classified as a Variant of Uncertain Significance. Algorithms developed to predict the effect of missense changes on protein structure and function are either unavailable or do not agree on the potential impact of this missense change (SIFT: "Tolerated"; PolyPhen-2: "Probably Damaging"; Align-GVGD: "Class C0"). This variant has not been reported in the literature in individuals with MSH6-related conditions. This variant is not present in population databases (ExAC no frequency). This sequence change replaces lysine with threonine at codon 543 of the MSH6 protein (p.Lys543Thr). The lysine residue is moderately conserved and there is a moderate physicochemical difference between lysine and threonine.